The following is an entry in ClinVar:

NM_004068.4(AP2M1):c.736T>C (p.Cys246Arg)

Gene: AP2M1 (adaptor related protein complex 2 subunit mu 1; plus strand). Cytogenetic location: 3q27.1.
Variant type: single nucleotide variant.
Coding change: c.736T>C on transcript NM_004068.4 (MANE Select); coding-DNA position 736, T replaced by C.
Protein change: p.Cys246Arg; replaces cysteine 246 with arginine.
Molecular consequence: missense variant.
Genome position (GRCh38, 1-based): chr3:184,181,724, T>C. VCF-style: chr3-184181724-T-C. GRCh37 (hg19) VCF-style: chr3-183899512-T-C.
Other names: c.730T>C, p.Cys244Arg (NM_001025205.2); c.811T>C, p.Cys271Arg (NM_001311198.2); c.730T>C (NM_001025205.1); short protein forms C244R, C246R, C271R.
Identifiers: ClinVar variation 1355367 (VCV001355367.9), dbSNP rs2109031553, ClinGen allele CA355426984.

ClinVar aggregate classification (germline): Uncertain significance. Review status: criteria provided, multiple submitters, no conflicts (2 of 4 stars). 2 submissions from 2 submitters: Uncertain significance (2). Last evaluated 2024-10-28.

Submissions (2):

GeneDx
Classification: Uncertain significance. Last evaluated: 2024-10-28. Review status: criteria provided, single submitter. Criteria: GeneDx Variant Classification Process June 2021. Collection method: clinical testing. Allele origin: germline. Affected: yes.
Comment: Not observed at significant frequency in large population cohorts (gnomAD); In silico analysis supports that this missense variant has a deleterious effect on protein structure/function; Has not been previously published as pathogenic or benign to our knowledge

Labcorp Genetics (formerly Invitae), Labcorp
Classification: Uncertain significance. Last evaluated: 2022-06-03. Review status: criteria provided, single submitter. Criteria: Invitae Variant Classification Sherloc (09022015). Collection method: clinical testing. Allele origin: germline.
Comment: This sequence change replaces cysteine, which is neutral and slightly polar, with arginine, which is basic and polar, at codon 246 of the AP2M1 protein (p.Cys246Arg). In summary, the available evidence is currently insufficient to determine the role of this variant in disease. Therefore, it has been classified as a Variant of Uncertain Significance. Algorithms developed to predict the effect of missense changes on protein structure and function (SIFT, PolyPhen-2, Align-GVGD) all suggest that this variant is likely to be disruptive. ClinVar contains an entry for this variant (Variation ID: 1355367). This variant has not been reported in the literature in individuals affected with AP2M1-related conditions. This variant is not present in population databases (gnomAD no frequency).